The following is an entry in ClinVar:

NM_016222.4(DDX41):c.1016G>A (p.Arg339His)

Gene: DDX41 (DEAD-box helicase 41; minus strand). Cytogenetic location: 5q35.3.
Variant type: single nucleotide variant.
Coding change: c.1016G>A on transcript NM_016222.4 (MANE Select); coding-DNA position 1016, G replaced by A.
Protein change: p.Arg339His; replaces arginine 339 with histidine.
Molecular consequence: missense variant.
Genome position (GRCh38, 1-based): chr5:177,513,767, C>T on the plus strand (G>A on the coding strand, the complement: DDX41 is on the minus strand). VCF-style: chr5-177513767-C-T. GRCh37 (hg19) VCF-style: chr5-176940768-C-T.
Other names: c.638G>A, p.Arg213His (NM_001321732.2, NM_001321830.2); c.1016G>A, p.Arg339His (LRG_1386t1); short protein forms R339H, R213H.
Identifiers: ClinVar variation 434921 (VCV000434921.19), dbSNP rs774698335, ClinGen allele CA3584926.

ClinVar aggregate classification (germline): Conflicting classifications of pathogenicity. Review status: criteria provided, conflicting classifications (1 of 4 stars). 6 submissions from 6 submitters: Likely pathogenic (1); Uncertain significance (5). Last evaluated 2025-12-16.

Conditions:
DDX41-related hematologic malignancy predisposition syndrome. Also called: DDX41-Associated Familial Myelodysplastic Syndrome and Acute Myeloid Leukemia; Myeloproliferative/lymphoproliferative neoplasms, familial (multiple types), susceptibility to. Identifiers: Orphanet 488647, MedGen C4225174, MONDO:0014809, OMIM 616871.
Inborn genetic diseases. Identifiers: MedGen C0950123, MeSH D030342.

Allele frequency attached by ClinVar (database versions not stated): ExAC 0.00002; gnomAD exomes 0.00003 and 0.00005; TOPMed 0.00003; gnomAD 0.00006.
gnomAD v4.1: 87 of 1,613,734 alleles (0.0054%); highest among the groups gnomAD compares: African/African-American, 0.021%; no homozygotes.

Submissions (6):

Labcorp Genetics (formerly Invitae), Labcorp
Classification: Uncertain significance. Last evaluated: 2025-12-16. Review status: criteria provided, single submitter. Criteria: Invitae Variant Classification Sherloc (09022015). Collection method: clinical testing. Allele origin: germline.
Comment: This sequence change replaces arginine, which is basic and polar, with histidine, which is basic and polar, at codon 339 of the DDX41 protein (p.Arg339His). This variant is present in population databases (rs774698335, gnomAD 0.02%). This missense change has been observed in individual(s) with myeloproliferative/lymphoproliferative neoplasms (PMID: 31713024, 35671390, 37199125). ClinVar contains an entry for this variant (Variation ID: 434921). An algorithm developed to predict the effect of missense changes on protein structure and function (PolyPhen-2) suggests that this variant is likely to be disruptive. In summary, the available evidence is currently insufficient to determine the role of this variant in disease. Therefore, it has been classified as a Variant of Uncertain Significance.

Ambry Genetics
Classification: Uncertain significance for Inborn genetic diseases. Last evaluated: 2025-10-20. Review status: criteria provided, single submitter. Criteria: Ambry Variant Classification Scheme 2023. Collection method: clinical testing. Allele origin: germline.
Comment: The p.R339H variant (also known as c.1016G>A), located in coding exon 10 of the DDX41 gene, results from a G to A substitution at nucleotide position 1016. The arginine at codon 339 is replaced by histidine, an amino acid with highly similar properties. This alteration has been detected as a presumed germline finding in numerous individuals with a suspected or confirmed myeloid neoplasm (Polprasert C et al. Int J Hematol, 2020 Feb;111:241-246, Li P et al. Blood, 2022 Aug;140:716-755, Badar T et al. Haematologica, 2023 Nov;108:3033-3043, Gutierrez-Rodrigues F et al. Blood, 2023 Apr;141:2100-2113, Cheloor Kovilakam S et al. Blood, 2023 Oct;142:1185-1192, Maierhofer A et al. Blood Adv, 2023 Dec;7:7346-7357). This amino acid position is highly conserved in available vertebrate species. In addition, the in silico prediction for this alteration is inconclusive. Based on the available evidence, the clinical significance of this variant remains unclear.

Saint-Louis Hospital, Assistance Publique Hôpitaux de Paris
Classification: Likely pathogenic for DDX41-related hematologic malignancy predisposition syndrome. Last evaluated: 2025-05-13. Review status: criteria provided, single submitter. Criteria: ACMG Guidelines, 2015. Collection method: clinical testing. Allele origin: germline. Affected: yes.
Comment: The variant DDX41(NM_016222.4):c.1016G>A:p.(Arg339His) has been reported in individuals with suspected or confirmed predisposition to myeloid malignancies (Polprasert et al.2020, PMID: 31713024; Badar et al, 2023, PMID:37199125; Li et al, 2022, PMID:35671390). It has also been described in individuals with concomitant germline/somatic DDX41 mutations, where the acquisition of a second (somatic) DDX41 hit in bone marrow is a classical route of clonal evolution in DDX41-myeloid malignancies predisposition (Duployez et al, 2022, PMID: 35443031).

GeneDx
Classification: Uncertain significance. Last evaluated: 2025-04-15. Review status: criteria provided, single submitter. Criteria: GeneDx Variant Classification Process June 2021. Collection method: clinical testing. Allele origin: germline. Affected: yes.
Comment: In silico analysis supports that this missense variant has a deleterious effect on protein structure/function; Observed in individuals with myelodysplastic syndrome or myeloproliferative neoplasm in published literature (PMID: 37506341, 36542832, 35671390, 31713024, 37199125); This variant is associated with the following publications: (PMID: 34183866, 36542832, 35671390, 36672294, 36036093, 37506341, 27721487, 31713024, 37199125, 37874914, 40040251)

Baylor Genetics
Classification: Uncertain significance for DDX41-related hematologic malignancy predisposition syndrome. Last evaluated: 2023-11-22. Review status: criteria provided, single submitter. Criteria: ACMG Guidelines, 2015. Collection method: clinical testing. Allele origin: unknown.

Genetic Services Laboratory, University of Chicago
Classification: Uncertain significance. Last evaluated: 2016-12-07. Review status: criteria provided, single submitter. Criteria: ACMG Guidelines, 2015. Collection method: clinical testing. Allele origin: germline. Affected: no.

Literature cited by the submitters: PubMed 31713024 (cited by 3 submitters); PubMed 35671390 (cited by 3 submitters); PubMed 37199125 (cited by 3 submitters); PubMed 36542832 (cited by Ambry Genetics); PubMed 37506341 (cited by Ambry Genetics); PubMed 37874914 (cited by Ambry Genetics); PubMed 35443031 (cited by Saint-Louis Hospital, Assistance Publique Hôpitaux de Paris).